The following is an entry in ClinVar:

NM_004606.5(TAF1):c.5052G>T (p.Lys1684Asn)

Gene: TAF1 (TATA-box binding protein associated factor 1; plus strand). Cytogenetic location: Xq13.1.
Variant type: single nucleotide variant.
Coding change: c.5052G>T on transcript NM_004606.5 (MANE Select); coding-DNA position 5052, G replaced by T.
Protein change: p.Lys1684Asn; replaces lysine 1684 with asparagine.
Molecular consequence: missense variant. On other transcripts: non-coding transcript variant (9).
Genome position (GRCh38, 1-based): chrX:71,458,354, G>T. VCF-style: chrX-71458354-G-T. GRCh37 (hg19) VCF-style: chrX-70678204-G-T.
Other names: c.5058G>T, p.Lys1686Asn (NM_001286074.2); c.4989G>T, p.Lys1663Asn (NM_138923.4); short protein forms K1663N, K1684N, K1686N.
Identifiers: ClinVar variation 2636207 (VCV002636207.1), dbSNP rs1336715340, ClinGen allele CA413527323.

ClinVar aggregate classification (germline): Uncertain significance (1 of 4 stars; one submission).

Conditions:
TAF1-related disorder. Also called: TAF1-related condition.

Allele frequency attached by ClinVar (database versions not stated): gnomAD exomes below 0.00001.
gnomAD v4.1: 2 of 1,211,116 alleles (0.00017%); highest among the groups gnomAD compares: South Asian, 0.0035%; no homozygotes.

Submission:

PreventionGenetics, part of Exact Sciences
Classification: Uncertain significance for TAF1-related condition. Last evaluated: 2022-09-09. Review status: criteria provided, single submitter. Criteria: ACMG Guidelines, 2015. Collection method: clinical testing. Allele origin: germline.
Comment: The TAF1 c.5118G>T variant is predicted to result in the amino acid substitution p.Lys1706Asn. To our knowledge, this variant has not been reported in the literature. This variant is reported in 0.0054% of alleles in individuals of South Asian descent in gnomAD. At this time, the clinical significance of this variant is uncertain due to the absence of conclusive functional and genetic evidence.